The following is an entry in ClinVar:

ClinVar aggregate classification (germline): Likely pathogenic (1 of 4 stars; one submission).

Conditions:
MED13L-related disorder. Also called: MED13L-related condition.

Submission:

PreventionGenetics, part of Exact Sciences
Classification: Likely pathogenic for MED13L-related condition. Last evaluated: 2022-10-25. Review status: criteria provided, single submitter. Criteria: ACMG Guidelines, 2015. Collection method: clinical testing. Allele origin: germline.
Comment: The MED13L c.3425G>A variant is predicted to result in the amino acid substitution p.Gly1142Glu. To our knowledge, this variant has not been reported in the literature or in a large population database, indicating this variant is rare. At this time, the clinical significance of this variant is uncertain due to the absence of conclusive functional and genetic evidence.

NM_015335.5(MED13L):c.3425G>A (p.Gly1142Glu)

Gene: MED13L (mediator complex subunit 13L; minus strand). Cytogenetic location: 12q24.21.
Variant type: single nucleotide variant.
Coding change: c.3425G>A on transcript NM_015335.5 (MANE Select); coding-DNA position 3425, G replaced by A.
Protein change: p.Gly1142Glu; replaces glycine 1142 with glutamic acid.
Molecular consequence: missense variant.
Genome position (GRCh38, 1-based): chr12:115,991,529, C>T on the plus strand (G>A on the coding strand, the complement: MED13L is on the minus strand). VCF-style: chr12-115991529-C-T. GRCh37 (hg19) VCF-style: chr12-116429334-C-T.
Other names: short protein forms G1142E.
Identifiers: ClinVar variation 2636179 (VCV002636179.1), dbSNP rs2499856777, ClinGen allele CA386887769.
Genomic context (GRCh38, chr12:115,991,529, plus strand): 5'-CAGGTACAGCGGTACTGGTCCTCATTGGAAGAATCGGGGATGTAAAGCCCGACATCCGCC[C>T]CTTTGATGTTCATGTTGCAGGCACAGATGCAACAGCTGTCAAAGTTTCTGTCTTTAAAGA-3'
Protein context (NP_056150.1, residues 1132-1152): CICACNMNIK[Gly1142Glu]ADVGLYIPDS